The following is an entry in ClinVar:

ClinVar aggregate classification (germline): Pathogenic. Review status: criteria provided, multiple submitters, no conflicts (2 of 4 stars). 3 submissions from 3 submitters: Pathogenic (3). Last evaluated 2026-01-11.

Conditions:
Pheochromocytoma/paraganglioma syndrome 5. Also called: Paragangliomas 5; SDHA-Related Hereditary Paraganglioma-Pheochromocytoma Syndrome. Identifiers: Orphanet 29072, MedGen C3279992, MONDO:0013602, OMIM 614165.
Mitochondrial complex II deficiency, nuclear type 1. Also called: SUCCINATE CoQ REDUCTASE DEFICIENCY. Identifiers: Orphanet 3208, MedGen C5700310, MONDO:0100294, OMIM 252011.
Hereditary cancer-predisposing syndrome. Also called: Hereditary Cancer Syndrome; Hereditary neoplastic syndrome; Neoplastic Syndromes, Hereditary; Tumor predisposition. Identifiers: Orphanet 140162, MedGen C0027672, MeSH D009386, MONDO:0015356.

Submissions (3):

Labcorp Genetics (formerly Invitae), Labcorp
Classification: Pathogenic for Pheochromocytoma/paraganglioma syndrome 5; Mitochondrial complex II deficiency, nuclear type 1. Last evaluated: 2026-01-11. Review status: criteria provided, single submitter. Criteria: Invitae Variant Classification Sherloc (09022015). Collection method: clinical testing. Allele origin: germline.
Comment: This sequence change creates a premature translational stop signal (p.Gln288*) in the SDHA gene. It is expected to result in an absent or disrupted protein product. Loss-of-function variants in SDHA are known to be pathogenic (PMID: 22974104, 24781757). This variant is not present in population databases (gnomAD no frequency). This variant has not been reported in the literature in individuals affected with SDHA-related conditions. ClinVar contains an entry for this variant (Variation ID: 1764097). Algorithms developed to predict the effect of sequence changes on RNA splicing suggest that this variant may disrupt the consensus splice site. For these reasons, this variant has been classified as Pathogenic.

Myriad Genetics, Inc.
Classification: Pathogenic for Pheochromocytoma/paraganglioma syndrome 5. Last evaluated: 2024-01-23. Review status: criteria provided, single submitter. Criteria: Myriad Autosomal Dominant, Autosomal Recessive and X-Linked Classification Criteria (2023). Collection method: clinical testing. Allele origin: unknown.
Comment: This variant is considered pathogenic. This variant creates a termination codon and is predicted to result in premature protein truncation.

Ambry Genetics
Classification: Pathogenic for Hereditary cancer-predisposing syndrome. Last evaluated: 2022-06-23. Review status: criteria provided, single submitter. Criteria: Ambry Variant Classification Scheme 2023. Collection method: clinical testing. Allele origin: germline.
Comment: The p.Q288* pathogenic mutation (also known as c.862C>T), located in coding exon 7 of the SDHA gene, results from a C to T substitution at nucleotide position 862. This changes the amino acid from a glutamine to a stop codon within coding exon 7. This variant is considered to be rare based on population cohorts in the Genome Aggregation Database (gnomAD). This alteration is expected to result in loss of function by premature protein truncation or nonsense-mediated mRNA decay. As such, this alteration is interpreted as a disease-causing mutation.

Literature cited by the submitters: PubMed 22974104 (cited by Labcorp Genetics (formerly Invitae), Labcorp); PubMed 24781757 (cited by Labcorp Genetics (formerly Invitae), Labcorp).

NM_004168.4(SDHA):c.862C>T (p.Gln288Ter)

Gene: SDHA (succinate dehydrogenase complex flavoprotein subunit A; plus strand). Cytogenetic location: 5p15.33.
Variant type: single nucleotide variant.
Coding change: c.862C>T on transcript NM_004168.4 (MANE Select); coding-DNA position 862, C replaced by T.
Protein change: p.Gln288Ter; replaces glutamine 288 with a stop codon.
Molecular consequence: nonsense.
Genome position (GRCh38, 1-based): chr5:230,967, C>T. VCF-style: chr5-230967-C-T. GRCh37 (hg19) VCF-style: chr5-231082-C-T.
Other names: c.862C>T, p.Gln288Ter (NM_001330758.2); c.718C>T, p.Gln240Ter (NM_001294332.2); short protein forms Q288*, Q240*.
Identifiers: ClinVar variation 1764097 (VCV001764097.3), dbSNP rs2126568596, ClinGen allele CA359011933.